The following is an entry in ClinVar:

ClinVar aggregate classification (germline): Uncertain significance. Review status: criteria provided, multiple submitters, no conflicts (2 of 4 stars). 2 submissions from 2 submitters: Uncertain significance (2). Last evaluated 2024-09-18.

Submissions (2):

Women's Health and Genetics/Laboratory Corporation of America, LabCorp
Classification: Uncertain significance. Last evaluated: 2024-09-18. Review status: criteria provided, single submitter. Criteria: LabCorp Variant Classification Summary - May 2015. Collection method: clinical testing. Allele origin: germline.
Comment: Variant summary: HUWE1 c.12106C>T (p.Arg4036Cys) results in a non-conservative amino acid change in the encoded protein sequence. Four of five in-silico tools predict a damaging effect of the variant on protein function. The variant was absent in 181231 control chromosomes. The available data on variant occurrences in the general population are insufficient to allow any conclusion about variant significance. To our knowledge, no occurrence of c.12106C>T in individuals affected with Intellectual Disability, X-Linked Syndromic, Turner Type and no experimental evidence demonstrating its impact on protein function have been reported. No submitters have cited clinical-significance assessments for this variant to ClinVar. Based on the evidence outlined above, the variant was classified as uncertain significance.

GeneDx
Classification: Uncertain significance. Last evaluated: 2023-11-14. Review status: criteria provided, single submitter. Criteria: GeneDx Variant Classification Process June 2021. Collection method: clinical testing. Allele origin: germline. Affected: yes.
Comment: Not observed at significant frequency in large population cohorts (gnomAD); In silico analysis supports that this missense variant has a deleterious effect on protein structure/function; Has not been previously published as pathogenic or benign to our knowledge

NM_031407.7(HUWE1):c.12106C>T (p.Arg4036Cys)

Gene: HUWE1 (HECT, UBA and WWE domain containing E3 ubiquitin protein ligase 1; minus strand). Cytogenetic location: Xp11.22.
Variant type: single nucleotide variant.
Coding change: c.12106C>T on transcript NM_031407.7 (MANE Select); coding-DNA position 12106, C replaced by T.
Protein change: p.Arg4036Cys; replaces arginine 4036 with cysteine.
Molecular consequence: missense variant.
Genome position (GRCh38, 1-based): chrX:53,537,587, G>A on the plus strand (C>T on the coding strand, the complement: HUWE1 is on the minus strand). VCF-style: chrX-53537587-G-A. GRCh37 (hg19) VCF-style: chrX-53564548-G-A.
Other names: short protein forms R4036C.
Identifiers: ClinVar variation 3364297 (VCV003364297.2).
Genomic context (GRCh38, chrX:53,537,587, plus strand): 5'-CCATCTTTTCTCCGTTCCTGGGCCCTTACAATCGATTCTTCATTTCTTCGGGGGATTTGC[G>A]ATGCAGCTCACGATAGGAGTCTTCAAACACATGGTCACGACGGACATGCACAGCCATGTC-3'
Protein context (NP_113584.3, residues 4026-4046): VFEDSYRELH[Arg4036Cys]KSPEEMKNRL